The following is an entry in ClinVar:

NM_001018115.3(FANCD2):c.3406A>G (p.Arg1136Gly)

Genes: FANCD2 (FA complementation group D2; plus strand), FANCD2OS (FANCD2 opposite strand; minus strand). Cytogenetic location: 3p25.3.
Variant type: single nucleotide variant.
Coding change: c.3406A>G on transcript NM_001018115.3 (MANE Select); coding-DNA position 3406, A replaced by G.
Protein change: p.Arg1136Gly; replaces arginine 1136 with glycine.
Molecular consequence: missense variant. On other transcripts: intron variant (1).
Genome position (GRCh38, 1-based): chr3:10,087,204, A>G. VCF-style: chr3-10087204-A-G. GRCh37 (hg19) VCF-style: chr3-10128888-A-G.
Other names: c.3406A>G, p.Arg1136Gly (NM_001319984.2, NM_001374254.1, NM_033084.6); c.3295A>G, p.Arg1099Gly (NM_001374253.1); c.*44-5673T>C (NM_173472.2); short protein forms R1099G, R1136G.
Identifiers: ClinVar variation 1442397 (VCV001442397.7), dbSNP rs369405673, ClinGen allele CA2250375.
Genomic context (GRCh38, chr3:10,087,204, plus strand): 5'-CATTACTTGCAGAATTTCCATCAAAGCATTCCCAGTTTCCAGTGTGCTCTTTATCTCATC[A>G]GACTTTTGATGGTTATTTTGGAGAAATCAACAGCTTCTGCTCAGAACAAAGAAAAAATTG-3'
Protein context (NP_001018125.1, residues 1126-1146): PSFQCALYLI[Arg1136Gly]LLMVILEKST

ClinVar aggregate classification (germline): Uncertain significance. Review status: criteria provided, multiple submitters, no conflicts (2 of 4 stars). 2 submissions from 2 submitters: Uncertain significance (2). Last evaluated 2021-09-02.

Conditions:
Fanconi anemia complementation group D2. Also called: FANCD2-Related Fanconi Anemia; FANCONI PANCYTOPENIA, TYPE 4; FANCONI ANEMIA, COMPLEMENTATION GROUP D. Identifiers: Orphanet 84, MedGen C3160738, MONDO:0009214, OMIM 227646.
Fanconi anemia (FA). Also called: Fanconi's anemia. Identifiers: Orphanet 84, MedGen C0015625, MeSH D005199, MONDO:0019391.

Allele frequency attached by ClinVar (database versions not stated): gnomAD exomes 0.00001; ExAC 0.00002; ESP Exome Variant Server 0.00008; gnomAD 0.00001 and 0.00002; TOPMed 0.00002.
gnomAD v4.1: 14 of 1,613,528 alleles (0.00087%); highest among the groups gnomAD compares: Non-Finnish European, 0.001%; no homozygotes.

Submissions (2):

Labcorp Genetics (formerly Invitae), Labcorp
Classification: Uncertain significance for Fanconi anemia. Last evaluated: 2021-09-02. Review status: criteria provided, single submitter. Criteria: Invitae Variant Classification Sherloc (09022015). Collection method: clinical testing. Allele origin: germline.
Comment: This sequence change replaces arginine with glycine at codon 1136 of the FANCD2 protein (p.Arg1136Gly). The arginine residue is moderately conserved and there is a moderate physicochemical difference between arginine and glycine. This variant is present in population databases (rs369405673, ExAC 0.004%). This variant has not been reported in the literature in individuals affected with FANCD2-related conditions. Algorithms developed to predict the effect of missense changes on protein structure and function are either unavailable or do not agree on the potential impact of this missense change (SIFT: "Deleterious"; PolyPhen-2: "Possibly Damaging"; Align-GVGD: "Class C0"). In summary, the available evidence is currently insufficient to determine the role of this variant in disease. Therefore, it has been classified as a Variant of Uncertain Significance.

Fulgent Genetics
Classification: Uncertain significance for Fanconi anemia complementation group D2. Last evaluated: 2021-08-12. Review status: criteria provided, single submitter. Criteria: ACMG Guidelines, 2015. Collection method: clinical testing. Allele origin: unknown.